The following is an entry in ClinVar:

NM_198060.4(NRAP):c.994A>G (p.Ile332Val)

Gene: NRAP (nebulin related anchoring protein; minus strand). Cytogenetic location: 10q25.3.
Variant type: single nucleotide variant.
Coding change: c.994A>G on transcript NM_198060.4 (MANE Select); coding-DNA position 994, A replaced by G.
Protein change: p.Ile332Val; replaces isoleucine 332 with valine.
Molecular consequence: missense variant.
Genome position (GRCh38, 1-based): chr10:113,645,941, T>C on the plus strand (A>G on the coding strand, the complement: NRAP is on the minus strand). VCF-style: chr10-113645941-T-C. GRCh37 (hg19) VCF-style: chr10-115405700-T-C.
Other names: c.994A>G, p.Ile332Val (NM_001261463.2, NM_001322945.2, NM_006175.5); c.994A>G (NM_198060.3); short protein forms I332V.
Identifiers: ClinVar variation 3053466 (VCV003053466.4), dbSNP rs200397361, ClinGen allele CA5695704.
Genomic context (GRCh38, chr10:113,645,941, plus strand): 5'-CTGGAAGCGAGTGATAATGTGCAGCGCCTTTCATCTTATTGAAGTCCTGCCTGTATTTTA[T>C]CTGAAAAAAAAAACACAAAACGGGGCTGGAGTTGATGTTTCCATGCTCTGGGAGGGGAAT-3'
Protein context (NP_932326.2, residues 322-342): AKKAHELASD[Ile332Val]KYRQDFNKMK

ClinVar aggregate classification (germline): Likely benign. Review status: criteria provided, single submitter (1 of 4 stars). 2 submissions from 2 submitters: Likely benign (1). 1 of the submissions does not count toward it. Last evaluated 2026-03-27.

Conditions:
NRAP-related disorder. Also called: NRAP-related condition.

Allele frequency attached by ClinVar (database versions not stated): ExAC 0.00044; TOPMed 0.00136; gnomAD 0.00154; 1000 Genomes Project 30x 0.00125; 1000 Genomes Project 0.00160.
gnomAD v4.1: 326 of 1,469,584 alleles (0.022%); highest among the groups gnomAD compares: African/African-American, 0.45%; 2 homozygotes.

Submissions (2):

Molecular Diagnostic Laboratory for Inherited Cardiovascular Disease, Montreal Heart Institute
Classification: Likely benign. Last evaluated: 2026-03-27. Review status: criteria provided, single submitter. Criteria: ACMG Guidelines, 2015. Collection method: clinical testing. Allele origin: germline. Affected: no.
Comment: BS1;BP4

PreventionGenetics, part of Exact Sciences
Classification: Likely benign for NRAP-related condition. Last evaluated: 2023-08-10. Review status: no assertion criteria provided. Collection method: clinical testing. Allele origin: germline. Not counted in ClinVar's aggregate classification.
Comment: This variant is classified as likely benign based on ACMG/AMP sequence variant interpretation guidelines (Richards et al. 2015 PMID: 25741868, with internal and published modifications).